The following is an entry in ClinVar:

ClinVar aggregate classification (germline): Conflicting classifications of pathogenicity. Review status: criteria provided, conflicting classifications (1 of 4 stars). 4 submissions from 4 submitters: Uncertain significance (2); Likely benign (1). 1 of the submissions does not count toward it. Last evaluated 2026-04-14.

Conditions:
ABCB4-related disorder. Also called: ABCB4-related disorders; ABCB4-related condition.
Familial intrahepatic cholestasis. Identifiers: Orphanet 284385, MedGen CN296401, MONDO:0017290.
Low phospholipid associated cholelithiasis (GBD1). Also called: Gallstone cholecystitis; Gallbladder disease 1. Identifiers: Orphanet 69663, MedGen C2609268, MONDO:0010939, OMIM 600803.

Allele frequency attached by ClinVar (database versions not stated): gnomAD exomes 0.00003 and 0.00006; ExAC 0.00004; TOPMed 0.00006; gnomAD 0.00001 and 0.00002.
gnomAD v4.1: 21 of 1,613,996 alleles (0.0013%); highest among the groups gnomAD compares: Admixed American, 0.035%; no homozygotes.

Submissions (4):

Genomenon, Inc
Classification: Uncertain significance for Familial intrahepatic cholestasis; Low phospholipid associated cholelithiasis. Last evaluated: 2026-04-14. Review status: criteria provided, single submitter. Criteria: Genomenon Sequence Variant Interpretation Standards - Updated. Collection method: curation. Allele origin: germline. Affected: no.
Comment: ABCB4 c.1723C>T is a synonymous variant that retains Leucine at residue 575. This variant has been reported in the published literature (PMID:30079523). In conclusion, we classify ABCB4 p.Leu575= (c.1723C>T) as a variant of uncertain significance.

Labcorp Genetics (formerly Invitae), Labcorp
Classification: Likely benign. Last evaluated: 2024-03-07. Review status: criteria provided, single submitter. Criteria: Invitae Variant Classification Sherloc (09022015). Collection method: clinical testing. Allele origin: germline.

Eurofins Ntd Llc (ga)
Classification: Uncertain significance. Last evaluated: 2017-09-07. Review status: criteria provided, single submitter. Criteria: EGL Classification Definitions 2015. Collection method: clinical testing. Allele origin: germline. Observed: 1 variant allele, 1 heterozygote.

PreventionGenetics, part of Exact Sciences
Classification: Likely benign for ABCB4-related condition. Last evaluated: 2022-02-14. Review status: no assertion criteria provided. Collection method: clinical testing. Allele origin: germline. Not counted in ClinVar's aggregate classification.
Comment: This variant is classified as likely benign based on ACMG/AMP sequence variant interpretation guidelines (Richards et al. 2015 PMID: 25741868, with internal and published modifications).

Literature cited by the submitters: PubMed 30079523 (cited by Genomenon, Inc).

NM_000443.4(ABCB4):c.1723C>T (p.Leu575=)

Gene: ABCB4 (ATP binding cassette subfamily B member 4; minus strand). Cytogenetic location: 7q21.12.
Variant type: single nucleotide variant.
Coding change: c.1723C>T on transcript NM_000443.4 (MANE Select); coding-DNA position 1723, C replaced by T.
Protein change: p.Leu575=; no amino-acid change (leucine 575 retained).
Molecular consequence: synonymous variant.
Genome position (GRCh38, 1-based): chr7:87,439,675, G>A on the plus strand (C>T on the coding strand, the complement: ABCB4 is on the minus strand). VCF-style: chr7-87439675-G-A. GRCh37 (hg19) VCF-style: chr7-87068991-G-A.
Other names: c.1723C>T, p.Leu575= (NM_018849.3, NM_018850.3); c.1723C>T (NM_000443.3).
Identifiers: ClinVar variation 594006 (VCV000594006.11), dbSNP rs748044865, ClinGen allele CA4327241.